The following is an entry in ClinVar:

NM_000875.5(IGF1R):c.1906_1907dup (p.Pro637fs)

Gene: IGF1R (insulin like growth factor 1 receptor; plus strand). Cytogenetic location: 15q26.3.
Variant type: Microsatellite.
Coding change: c.1906_1907dup on transcript NM_000875.5 (MANE Select); coding-DNA positions 1906 to 1907, 2 bases duplicated (CT; older notation c.1906_1907dupCT).
Protein change: p.Pro637fs; shifts the reading frame from proline 637.
Molecular consequence: frameshift variant.
Genome position (GRCh38, 1-based): chr15:98,916,041-98,916,042, CT duplicated; duplicating any 2 consecutive bases within chr15:98,916,037-98,916,042 gives the same sequence; the c. name uses the placement nearest the transcript's 3' end. VCF-style (leftmost placement, unchanged base first): chr15-98916036-C-CCT. GRCh37 (hg19) VCF-style: chr15-99459265-C-CCT.
Other names: c.1906_1907dup, p.Pro637fs (NM_001291858.2); short protein forms P637fs.
Identifiers: ClinVar variation 1172630 (VCV001172630.2), dbSNP rs2151681264, ClinGen allele CA2580612689.

ClinVar aggregate classification (germline): Likely pathogenic. Review status: criteria provided, single submitter (1 of 4 stars). 2 submissions from 1 submitter: Likely pathogenic (2). Last evaluated 2021-01-11.

Conditions:
Microcephaly. Also called: Microcephaly (disease). Identifiers: MedGen C4551563, MONDO:0001149, HP:0000252.
Growth delay due to insulin-like growth factor I resistance. Also called: Somatomedin end-organ insensitivity to; Somatomedin-c resistance to; IGF-1 resistance; IGF-I RESISTANCE; Insulin-Like Growth Factor I Resistance. Identifiers: Orphanet 73273, MedGen C1849157, MONDO:0010038, OMIM 270450.

Submissions (2):

Equipe Genetique des Anomalies du Developpement, Université de Bourgogne
Classification: Likely pathogenic for Growth delay due to insulin-like growth factor I resistance. Last evaluated: 2021-01-11. Review status: criteria provided, single submitter. Criteria: ACMG Guidelines, 2015. Collection method: clinical testing. Allele origin: maternal. Affected: yes.

Equipe Genetique des Anomalies du Developpement, Université de Bourgogne
Classification: Likely pathogenic for Microcephaly. Review status: criteria provided, single submitter. Criteria: ACMG Guidelines, 2015. Collection method: clinical testing. Allele origin: maternal. Affected: yes.

Literature cited by the submitters: PubMed 30053089.